The following is an entry in ClinVar:

NM_015404.4(WHRN):c.406G>C (p.Gly136Arg)

Gene: WHRN (whirlin; minus strand). Cytogenetic location: 9q32.
Variant type: single nucleotide variant.
Coding change: c.406G>C on transcript NM_015404.4 (MANE Select); coding-DNA position 406, G replaced by C.
Protein change: p.Gly136Arg; replaces glycine 136 with arginine.
Molecular consequence: missense variant.
Genome position (GRCh38, 1-based): chr9:114,504,396, C>G on the plus strand (G>C on the coding strand, the complement: WHRN is on the minus strand). VCF-style: chr9-114504396-C-G. GRCh37 (hg19) VCF-style: chr9-117266676-C-G.
Other names: c.406G>C, p.Gly136Arg (NM_001173425.2); short protein forms G136R.
Identifiers: ClinVar variation 1919529 (VCV001919529.3), dbSNP rs775689658, ClinGen allele CA374612342.
Genomic context (GRCh38, chr9:114,504,396, plus strand): 5'-TGCTGAAGCCCAAGCCCTCGTGGGCCTTGGCACGCCGCAAACTCACCAGGCGCACCTCCC[C>G]TGGCCCCGCGCTGTCGGGGCCGCCCCAGGCGGGCTGCCTGTAGGGGGTGGTGGCGGGCAG-3'
Protein context (NP_056219.3, residues 126-146): AWGGPDSAGP[Gly136Arg]EVRLVSLRRA

ClinVar aggregate classification (germline): Uncertain significance (1 of 4 stars; one submission).

Allele frequency attached by ClinVar (database versions not stated): TOPMed 0.00001.
gnomAD v4.1: 2 of 1,605,934 alleles (0.00012%); highest among the groups gnomAD compares: Admixed American, 0.0017%; no homozygotes.

Submission:

Labcorp Genetics (formerly Invitae), Labcorp
Classification: Uncertain significance. Last evaluated: 2022-08-15. Review status: criteria provided, single submitter. Criteria: Invitae Variant Classification Sherloc (09022015). Collection method: clinical testing. Allele origin: germline.
Comment: In summary, the available evidence is currently insufficient to determine the role of this variant in disease. Therefore, it has been classified as a Variant of Uncertain Significance. Algorithms developed to predict the effect of missense changes on protein structure and function are either unavailable or do not agree on the potential impact of this missense change (SIFT: "Deleterious"; PolyPhen-2: "Probably Damaging"; Align-GVGD: "Class C0"). This variant has not been reported in the literature in individuals affected with WHRN-related conditions. This variant is present in population databases (no rsID available, gnomAD 0.003%). This sequence change replaces glycine, which is neutral and non-polar, with arginine, which is basic and polar, at codon 136 of the WHRN protein (p.Gly136Arg).